The following is an entry in ClinVar:

ClinVar aggregate classification (germline): Conflicting classifications of pathogenicity. Review status: criteria provided, conflicting classifications (1 of 4 stars). 2 submissions from 2 submitters: Uncertain significance (1); Likely benign (1). Last evaluated 2025-07-14.

Conditions:
Lower motor neuron syndrome with late-adult onset (SMAJ). Also called: Spinal muscular atrophy, Jokela type; Late-Onset Spinal Motor Neuronopathy (SMAJ). Identifiers: Orphanet 276435, MedGen C3554398, MONDO:0014025, OMIM 615048.
Autosomal dominant mitochondrial myopathy with exercise intolerance (IMMD). Also called: Myopathy, isolated mitochondrial, autosomal dominant. Identifiers: Orphanet 457050, MedGen C4015513, MONDO:0014532, OMIM 616209.
Frontotemporal dementia and/or amyotrophic lateral sclerosis 2. Also called: FTDALS2. Identifiers: Orphanet 275872, MedGen C4014648, MONDO:0014395, OMIM 615911.

Allele frequency attached by ClinVar (database versions not stated): gnomAD 0.00001; gnomAD exomes below 0.00001; TOPMed 0.00002; ExAC 0.00002.
gnomAD v4.1: 7 of 1,607,274 alleles (0.00044%); highest among the groups gnomAD compares: Non-Finnish European, 0.00059%; no homozygotes.

Submissions (2):

Mayo Clinic Laboratories, Mayo Clinic
Classification: Likely benign. Last evaluated: 2025-07-14. Review status: criteria provided, single submitter. Criteria: ACMG Guidelines, 2015. Collection method: clinical testing. Allele origin: germline. Observed: 1 variant allele.
Comment: BS2, BP4_moderate

Labcorp Genetics (formerly Invitae), Labcorp
Classification: Uncertain significance for Lower motor neuron syndrome with late-adult onset; Frontotemporal dementia and/or amyotrophic lateral sclerosis 2; Autosomal dominant mitochondrial myopathy with exercise intolerance. Last evaluated: 2024-12-22. Review status: criteria provided, single submitter. Criteria: Invitae Variant Classification Sherloc (09022015). Collection method: clinical testing. Allele origin: germline.
Comment: This sequence change replaces alanine, which is neutral and non-polar, with valine, which is neutral and non-polar, at codon 72 of the CHCHD10 protein (p.Ala72Val). This variant is present in population databases (rs766054125, gnomAD 0.003%). This variant has not been reported in the literature in individuals affected with CHCHD10-related conditions. ClinVar contains an entry for this variant (Variation ID: 2922669). An algorithm developed to predict the effect of missense changes on protein structure and function (PolyPhen-2) suggests that this variant is likely to be tolerated. In summary, the available evidence is currently insufficient to determine the role of this variant in disease. Therefore, it has been classified as a Variant of Uncertain Significance.

NM_213720.3(CHCHD10):c.215C>T (p.Ala72Val)

Gene: CHCHD10 (coiled-coil-helix-coiled-coil-helix domain containing 10; minus strand). Cytogenetic location: 22q11.23.
Variant type: single nucleotide variant.
Coding change: c.215C>T on transcript NM_213720.3 (MANE Select); coding-DNA position 215, C replaced by T.
Protein change: p.Ala72Val; replaces alanine 72 with valine.
Molecular consequence: missense variant. On other transcripts: non-coding transcript variant (1).
Genome position (GRCh38, 1-based): chr22:23,767,420, G>A on the plus strand (C>T on the coding strand, the complement: CHCHD10 is on the minus strand). VCF-style: chr22-23767420-G-A. GRCh37 (hg19) VCF-style: chr22-24109607-G-A.
Other names: p.Ala72Val; c.215C>T, p.Ala72Val (NM_001301339.2); short protein forms A72V.
Identifiers: ClinVar variation 2922669 (VCV002922669.4), dbSNP rs766054125, ClinGen allele CA10145293.